The following is an entry in ClinVar:

ClinVar aggregate classification (germline): Uncertain significance. Review status: criteria provided, multiple submitters, no conflicts (2 of 4 stars). 2 submissions from 2 submitters: Uncertain significance (2). Last evaluated 2025-02-17.

Allele frequency attached by ClinVar (database versions not stated): gnomAD exomes below 0.00001; TOPMed below 0.00001; gnomAD 0.00001.
gnomAD v4.1: 4 of 1,598,166 alleles (0.00025%); highest among the groups gnomAD compares: African/African-American, 0.0027%; no homozygotes.

Submissions (2):

Labcorp Genetics (formerly Invitae), Labcorp
Classification: Uncertain significance. Last evaluated: 2025-02-17. Review status: criteria provided, single submitter. Criteria: Invitae Variant Classification Sherloc (09022015). Collection method: clinical testing. Allele origin: germline.
Comment: This sequence change replaces aspartic acid, which is acidic and polar, with asparagine, which is neutral and polar, at codon 10 of the RAB28 protein (p.Asp10Asn). This variant is not present in population databases (gnomAD no frequency). This variant has not been reported in the literature in individuals affected with RAB28-related conditions. ClinVar contains an entry for this variant (Variation ID: 1908127). An algorithm developed to predict the effect of missense changes on protein structure and function (PolyPhen-2) suggests that this variant is likely to be tolerated. In summary, the available evidence is currently insufficient to determine the role of this variant in disease. Therefore, it has been classified as a Variant of Uncertain Significance.

Blueprint Genetics
Classification: Uncertain significance. Last evaluated: 2021-09-14. Review status: criteria provided, single submitter. Criteria: ACMG Guidelines, 2015. Collection method: clinical testing. Allele origin: germline.

NM_001017979.3(RAB28):c.28G>A (p.Asp10Asn)

Genes: RAB28 (RAB28, member RAS oncogene family; minus strand), LOC111828517 (Sharpr-MPRA regulatory regions 1971 and 3941; plus strand). Cytogenetic location: 4p15.33.
Variant type: single nucleotide variant.
Coding change: c.28G>A on transcript NM_001017979.3 (MANE Select); coding-DNA position 28, G replaced by A.
Protein change: p.Asp10Asn; replaces aspartic acid 10 with asparagine.
Molecular consequence: missense variant.
Genome position (GRCh38, 1-based): chr4:13,484,123, C>T on the plus strand (G>A on the coding strand, the complement: RAB28 is on the minus strand). VCF-style: chr4-13484123-C-T. GRCh37 (hg19) VCF-style: chr4-13485747-C-T.
Other names: c.28G>A, p.Asp10Asn (NM_001159601.2, NM_004249.4); short protein forms D10N.
Identifiers: ClinVar variation 1908127 (VCV001908127.6), dbSNP rs1473005582, ClinGen allele CA356375224.
Genomic context (GRCh38, chr4:13,484,123, plus strand): 5'-CTCGAGGACTGACCTTCCCGGAGGCGCCGTCCCCCAGCACGACGATTTTCAGTTGCCGGT[C>T]CTGGCTCTCCTCCTCAGAGTCCGACATGGTGTCCCGGGAACCAGGCCCGCCCCTCGAGGT-3'
Protein context (NP_001017979.1, residues 1-20): MSDSEEESQ[Asp10Asn]RQLKIVVLGD